The following is an entry in ClinVar:

ClinVar aggregate classification (germline): Uncertain significance. Review status: criteria provided, multiple submitters, no conflicts (2 of 4 stars). 4 submissions from 4 submitters: Uncertain significance (3). 1 of the submissions does not count toward it. Last evaluated 2023-11-30.

Conditions:
Hereditary nonpolyposis colorectal neoplasms. Identifiers: MedGen C0009405, MeSH D003123.
Lynch syndrome. Identifiers: Orphanet 144, MedGen C4552100, MONDO:0005835. Disease mechanism: loss of function.
Malignant tumor of breast. Also called: Malignant breast neoplasm; Cancer breast. Identifiers: MedGen C0006142, MONDO:0007254. Disease mechanism: loss of function.

Allele frequency attached by ClinVar (database versions not stated): gnomAD exomes below 0.00001.
gnomAD v4.1: 4 of 1,613,080 alleles (0.00025%); highest among the groups gnomAD compares: Non-Finnish European, 0.00034%; no homozygotes.

Submissions (4):

All of Us Research Program, National Institutes of Health
Classification: Uncertain significance for Lynch syndrome. Last evaluated: 2023-11-30. Review status: criteria provided, single submitter. Criteria: ACMG Guidelines, 2015. Collection method: clinical testing. Allele origin: germline. Inheritance: Autosomal dominant inheritance. Observed: 1 variant allele, 1 heterozygote.
Comment: This study involves interpretation of variants in research participants for the purpose of population health screening. Participant phenotype was not available at the time of variant classification. Additional details can be found in publication PMID: 35346344, PMCID: PMC8962531

Labcorp Genetics (formerly Invitae), Labcorp
Classification: Uncertain significance for Hereditary nonpolyposis colorectal neoplasms. Last evaluated: 2022-07-29. Review status: criteria provided, single submitter. Criteria: Invitae Variant Classification Sherloc (09022015). Collection method: clinical testing. Allele origin: germline.
Comment: This sequence change replaces glutamine, which is neutral and polar, with histidine, which is basic and polar, at codon 835 of the MSH6 protein (p.Gln835His). This variant is not present in population databases (gnomAD no frequency). This variant has not been reported in the literature in individuals affected with MSH6-related conditions. ClinVar contains an entry for this variant (Variation ID: 801220). Advanced modeling of protein sequence and biophysical properties (such as structural, functional, and spatial information, amino acid conservation, physicochemical variation, residue mobility, and thermodynamic stability) performed at Invitae indicates that this missense variant is not expected to disrupt MSH6 protein function. In summary, the available evidence is currently insufficient to determine the role of this variant in disease. Therefore, it has been classified as a Variant of Uncertain Significance.

Quest Diagnostics Nichols Institute San Juan Capistrano
Classification: Uncertain significance. Last evaluated: 2019-08-13. Review status: criteria provided, single submitter. Criteria: Quest Diagnostics criteria. Collection method: clinical testing. Allele origin: germline.

Department of Pathology and Laboratory Medicine, Sinai Health System
Classification: Uncertain significance for Malignant tumor of breast. Review status: no assertion criteria provided. Collection method: clinical testing. Allele origin: unknown. Affected: yes. Observed: 1 variant allele. Study: The Canadian Open Genetics Repository (COGR). Not counted in ClinVar's aggregate classification.
Comment: The MSH6 p.Gln835His variant was not identified in the literature nor was it identified in the dbSNP, ClinVar, GeneInsight-COGR, COSMIC, MutDB, UMD-LSDB, Zhejiang Colon Cancer Database, Mismatch Repair Genes Variant Database, or Insight Hereditary Tumors databases. The variant was not identified in the following control databases: the 1000 Genomes Project, the NHLBI GO Exome Sequencing Project, the Exome Aggregation Consortium (August 8th 2016), or the Genome Aggregation Database (Feb 27, 2017). The p.Gln835 residue is conserved in mammals and computational analyses (PolyPhen-2, SIFT, AlignGVGD, BLOSUM, MutationTaster) provide inconsistent predictions regarding the impact to the protein; this information is not very predictive of pathogenicity. The variant occurs outside of the splicing consensus sequence and 1 of 5 in silico or computational prediction software programs (SpliceSiteFinder, MaxEntScan, NNSPLICE, GeneSplicer, HumanSpliceFinder) predict a greater than 10% difference in splicing; this is not very predictive of pathogenicity. In summary, based on the above information the clinical significance of this variant cannot be determined with certainty at this time. This variant is classified as a variant of uncertain significance.

NM_000179.3(MSH6):c.2505G>C (p.Gln835His)

Gene: MSH6 (mutS homolog 6; plus strand). Cytogenetic location: 2p16.3.
Variant type: single nucleotide variant.
Coding change: c.2505G>C on transcript NM_000179.3 (MANE Select); coding-DNA position 2505, G replaced by C.
Protein change: p.Gln835His; replaces glutamine 835 with histidine.
Molecular consequence: missense variant.
Genome position (GRCh38, 1-based): chr2:47,800,488, G>C. VCF-style: chr2-47800488-G-C. GRCh37 (hg19) VCF-style: chr2-48027627-G-C.
Other names: c.2115G>C, p.Gln705His (NM_001281492.2); c.1599G>C, p.Gln533His (NM_001281493.2, NM_001281494.2); short protein forms Q705H, Q835H, Q533H.
Identifiers: ClinVar variation 801220 (VCV000801220.15), dbSNP rs863224328, ClinGen allele CA346754267.